The following is an entry in ClinVar:

ClinVar aggregate classification (germline): Likely pathogenic (1 of 4 stars; one submission).

Submission:

Labcorp Genetics (formerly Invitae), Labcorp
Classification: Likely pathogenic. Last evaluated: 2023-12-22. Review status: criteria provided, single submitter. Criteria: Invitae Variant Classification Sherloc (09022015). Collection method: clinical testing. Allele origin: germline.
Comment: This sequence change replaces valine, which is neutral and non-polar, with methionine, which is neutral and non-polar, at codon 284 of the GABRA2 protein (p.Val284Met). This variant is not present in population databases (gnomAD no frequency). This missense change has been observed in individual(s) with clinical features of developmental and epileptic encephalopathy (Invitae). In at least one individual the variant was observed to be de novo. ClinVar contains an entry for this variant (Variation ID: 1919477). An algorithm developed to predict the effect of missense changes on protein structure and function (PolyPhen-2) suggests that this variant is likely to be disruptive. In summary, the currently available evidence indicates that the variant is pathogenic, but additional data are needed to prove that conclusively. Therefore, this variant has been classified as Likely Pathogenic.

NM_000807.4(GABRA2):c.850G>A (p.Val284Met)

Gene: GABRA2 (gamma-aminobutyric acid type A receptor subunit alpha2; minus strand). Cytogenetic location: 4p12.
Variant type: single nucleotide variant.
Coding change: c.850G>A on transcript NM_000807.4 (MANE Select); coding-DNA position 850, G replaced by A.
Protein change: p.Val284Met; replaces valine 284 with methionine.
Molecular consequence: missense variant.
Genome position (GRCh38, 1-based): chr4:46,303,466, C>T on the plus strand (G>A on the coding strand, the complement: GABRA2 is on the minus strand). VCF-style: chr4-46303466-C-T. GRCh37 (hg19) VCF-style: chr4-46305483-C-T.
Other names: c.850G>A, p.Val284Met (NM_001114175.3, NM_001330690.2, NM_001377144.1 and 8 more transcripts); c.685G>A, p.Val229Met (NM_001286827.3, NM_001377152.1, NM_001377153.1 and 1 more transcripts); short protein forms V229M, V284M.
Identifiers: ClinVar variation 1919477 (VCV001919477.5), dbSNP rs952155068, ClinGen allele CA356798179.